The following is an entry in ClinVar:

ClinVar aggregate classification (germline): Conflicting classifications of pathogenicity. Review status: criteria provided, conflicting classifications (1 of 4 stars). 2 submissions from 2 submitters: Uncertain significance (1); Likely benign (1). Last evaluated 2023-12-18.

Conditions:
Catecholaminergic polymorphic ventricular tachycardia 1. Also called: VENTRICULAR TACHYCARDIA, STRESS-INDUCED POLYMORPHIC 1; RYR2-Related Catecholaminergic Polymorphic Ventricular Tachycardia; VENTRICULAR TACHYCARDIA, CATECHOLAMINERGIC POLYMORPHIC, 1, WITH OR WITHOUT ATRIAL DYSFUNCTION AND/OR DILATED CARDIOMYOPATHY. Identifiers: Orphanet 3286, MedGen C1631597, MONDO:0011484, OMIM 604772.
Catecholaminergic polymorphic ventricular tachycardia (CVPT). Also called: Catecholamine-induced polymorphic ventricular tachycardia. Identifiers: Orphanet 3286, MedGen C5574922, MONDO:0017990.

Allele frequency attached by ClinVar (database versions not stated): gnomAD exomes below 0.00001; ExAC 0.00002.
gnomAD v4.1: 3 of 1,612,198 alleles (0.00019%); highest among the groups gnomAD compares: Admixed American, 0.005%; no homozygotes.

Submissions (2):

All of Us Research Program, National Institutes of Health
Classification: Uncertain significance for Catecholaminergic polymorphic ventricular tachycardia. Last evaluated: 2023-12-18. Review status: criteria provided, single submitter. Criteria: ACMG Guidelines, 2015. Collection method: clinical testing. Allele origin: germline. Inheritance: Autosomal dominant inheritance. Observed: 1 variant allele, 1 heterozygote.
Comment: This missense variant replaces threonine with alanine at codon 3360 of the RYR2 protein. Computational prediction suggests that this variant may not impact protein structure and function (internally defined REVEL score threshold <= 0.5, PMID: 27666373). To our knowledge, functional studies have not been reported for this variant. This variant has not been reported in individuals affected with RYR2-related disorders in the literature. This variant has been identified in 3/248726 chromosomes in the general population by the Genome Aggregation Database (gnomAD). The available evidence is insufficient to determine the role of this variant in disease conclusively. Therefore, this variant is classified as a Variant of Uncertain Significance.

This study involves interpretation of variants in research participants for the purpose of population health screening. Participant phenotype was not available at the time of variant classification. Additional details can be found in publication PMID: 35346344, PMCID: PMC8962531

Labcorp Genetics (formerly Invitae), Labcorp
Classification: Likely benign for Catecholaminergic polymorphic ventricular tachycardia 1. Last evaluated: 2022-01-28. Review status: criteria provided, single submitter. Criteria: Invitae Variant Classification Sherloc (09022015). Collection method: clinical testing. Allele origin: germline.

NM_001035.3(RYR2):c.10078A>G (p.Thr3360Ala)

Gene: RYR2 (ryanodine receptor 2; plus strand). Cytogenetic location: 1q43.
Variant type: single nucleotide variant.
Coding change: c.10078A>G on transcript NM_001035.3 (MANE Select); coding-DNA position 10078, A replaced by G.
Protein change: p.Thr3360Ala; replaces threonine 3360 with alanine.
Molecular consequence: missense variant.
Genome position (GRCh38, 1-based): chr1:237,709,034, A>G. VCF-style: chr1-237709034-A-G. GRCh37 (hg19) VCF-style: chr1-237872334-A-G.
Other names: short protein forms T3360A.
Identifiers: ClinVar variation 2145303 (VCV002145303.5), dbSNP rs772763388, ClinGen allele CA084141.
Genomic context (GRCh38, chr1:237,709,034, plus strand): 5'-CTGAAAGCTGAGGCCAGGGGGGACATGTCGGAGGCAGAACTCCTCATCCTAGATGAGTTC[A>G]CCACACTGGCCAGAGATCTCTATGCCTTCTACCCTCTCTTGATTAGATTTGTGGACTATA-3'
Protein context (NP_001026.2, residues 3350-3370): EAELLILDEF[Thr3360Ala]TLARDLYAFY